The following is an entry in ClinVar:

ClinVar aggregate classification (germline): Uncertain significance. Review status: criteria provided, multiple submitters, no conflicts (2 of 4 stars). 2 submissions from 2 submitters: Uncertain significance (2). Last evaluated 2022-04-07.

Conditions:
Autosomal recessive Parkinson disease 14. Also called: DYSTONIA-PARKINSONISM, ADULT-ONSET; PARKINSON DISEASE 14. Identifiers: Orphanet 199351, MedGen C2751842, MONDO:0013060, OMIM 612953.
Infantile neuroaxonal dystrophy (NBIA2A). Also called: NEURODEGENERATION WITH BRAIN IRON ACCUMULATION 2A; SEITELBERGER DISEASE; Infantile neuroaxonal dystrophy 1. Identifiers: Orphanet 35069, MedGen C0270724, MONDO:0024457, OMIM 256600.
Neurodegeneration with brain iron accumulation 2B. Also called: NEUROAXONAL DYSTROPHY, ATYPICAL; NEURODEGENERATION WITH BRAIN IRON ACCUMULATION, PLA2G6-RELATED; aNAD; atypical Neuroaxonal Dystrophy (aNAD). Identifiers: Orphanet 35069, MedGen C1857747, MONDO:0012444, OMIM 610217.

Submissions (2):

Labcorp Genetics (formerly Invitae), Labcorp
Classification: Uncertain significance for Infantile neuroaxonal dystrophy. Last evaluated: 2022-04-07. Review status: criteria provided, single submitter. Criteria: Invitae Variant Classification Sherloc (09022015). Collection method: clinical testing. Allele origin: germline.
Comment: This sequence change replaces glutamic acid, which is acidic and polar, with glycine, which is neutral and non-polar, at codon 562 of the PLA2G6 protein (p.Glu562Gly). This variant is not present in population databases (gnomAD no frequency). This variant has not been reported in the literature in individuals affected with PLA2G6-related conditions. Advanced modeling of protein sequence and biophysical properties (such as structural, functional, and spatial information, amino acid conservation, physicochemical variation, residue mobility, and thermodynamic stability) performed at Invitae indicates that this missense variant is expected to disrupt PLA2G6 protein function. In summary, the available evidence is currently insufficient to determine the role of this variant in disease. Therefore, it has been classified as a Variant of Uncertain Significance.

Fulgent Genetics
Classification: Uncertain significance for Infantile neuroaxonal dystrophy; Neurodegeneration with brain iron accumulation 2B; Autosomal recessive Parkinson disease 14. Last evaluated: 2022-02-16. Review status: criteria provided, single submitter. Criteria: ACMG Guidelines, 2015. Collection method: clinical testing. Allele origin: unknown.

NM_003560.4(PLA2G6):c.1685A>G (p.Glu562Gly)

Gene: PLA2G6 (phospholipase A2 group VI; minus strand). Cytogenetic location: 22q13.1.
Variant type: single nucleotide variant.
Coding change: c.1685A>G on transcript NM_003560.4 (MANE Select); coding-DNA position 1685, A replaced by G.
Protein change: p.Glu562Gly; replaces glutamic acid 562 with glycine.
Molecular consequence: missense variant.
Genome position (GRCh38, 1-based): chr22:38,120,816, T>C on the plus strand (A>G on the coding strand, the complement: PLA2G6 is on the minus strand). VCF-style: chr22-38120816-T-C. GRCh37 (hg19) VCF-style: chr22-38516823-T-C.
Other names: c.1523A>G, p.Glu508Gly (NM_001004426.3, NM_001199562.3, NM_001349865.2 and 1 more transcripts); c.1685A>G, p.Glu562Gly (NM_001349864.2); c.1151A>G, p.Glu384Gly (NM_001349867.2); c.1007A>G, p.Glu336Gly (NM_001349868.2); c.989A>G, p.Glu330Gly (NM_001349869.2); short protein forms E330G, E384G, E336G, E508G, E562G.
Identifiers: ClinVar variation 1377832 (VCV001377832.4), dbSNP rs751508677, ClinGen allele CA411527319.